The following is an entry in ClinVar:

ClinVar aggregate classification (germline): Uncertain significance (1 of 4 stars; one submission).

Conditions:
Dilated cardiomyopathy 1DD (CMD1DD). Identifiers: Orphanet 154, MedGen C2750995, MONDO:0013168, OMIM 613172.

Submission:

Labcorp Genetics (formerly Invitae), Labcorp
Classification: Uncertain significance for Dilated cardiomyopathy 1DD. Last evaluated: 2025-05-04. Review status: criteria provided, single submitter. Criteria: Invitae Variant Classification Sherloc (09022015). Collection method: clinical testing. Allele origin: germline.
Comment: This sequence change replaces histidine, which is basic and polar, with tyrosine, which is neutral and polar, at codon 1186 of the RBM20 protein (p.His1186Tyr). This variant is not present in population databases (gnomAD no frequency). This missense change has been observed in individual(s) with clinical features of arrhythmogenic cardiomyopathy (internal data). ClinVar contains an entry for this variant (Variation ID: 2103776). Invitae Evidence Modeling of protein sequence and biophysical properties (such as structural, functional, and spatial information, amino acid conservation, physicochemical variation, residue mobility, and thermodynamic stability) has been performed for this missense variant. However, the output from this modeling did not meet the statistical confidence thresholds required to predict the impact of this variant on RBM20 protein function. In summary, the available evidence is currently insufficient to determine the role of this variant in disease. Therefore, it has been classified as a Variant of Uncertain Significance.

NM_001134363.3(RBM20):c.3556C>T (p.His1186Tyr)

Gene: RBM20 (RNA binding motif protein 20; plus strand). Cytogenetic location: 10q25.2.
Variant type: single nucleotide variant.
Coding change: c.3556C>T on transcript NM_001134363.3 (MANE Select); coding-DNA position 3556, C replaced by T.
Protein change: p.His1186Tyr; replaces histidine 1186 with tyrosine.
Molecular consequence: missense variant.
Genome position (GRCh38, 1-based): chr10:110,831,165, C>T. VCF-style: chr10-110831165-C-T. GRCh37 (hg19) VCF-style: chr10-112590923-C-T.
Other names: short protein forms H1186Y.
Identifiers: ClinVar variation 2103776 (VCV002103776.4), dbSNP rs2493515141, ClinGen allele CA378386749.
Genomic context (GRCh38, chr10:110,831,165, plus strand): 5'-TGTGGGCTGTTCTACACGAGCGAGGAGACAGCAAAGATGAGCCACTGCCGCAGCGCTGTC[C>T]ACTACAGGAACTTACAGGTAAAAATCCACTCTCCTTGCCCAGCATGCCAGGGGCTCCCCA-3'
Protein context (NP_001127835.2, residues 1176-1196): AKMSHCRSAV[His1186Tyr]YRNLQKYLSQ